The following is an entry in ClinVar:

NM_001330.5(CTF1):c.80T>C (p.Ile27Thr)

Gene: CTF1 (cardiotrophin 1; plus strand). Cytogenetic location: 16p11.2.
Variant type: single nucleotide variant.
Coding change: c.80T>C on transcript NM_001330.5 (MANE Select); coding-DNA position 80, T replaced by C.
Protein change: p.Ile27Thr; replaces isoleucine 27 with threonine.
Molecular consequence: missense variant. On other transcripts: non-coding transcript variant (1).
Genome position (GRCh38, 1-based): chr16:30,899,469, T>C. VCF-style: chr16-30899469-T-C. GRCh37 (hg19) VCF-style: chr16-30910790-T-C.
Other names: c.77T>C, p.Ile26Thr (NM_001142544.3); short protein forms I26T, I27T.
Identifiers: ClinVar variation 4790366 (VCV004790366.1).
Genomic context (GRCh38, chr16:30,899,469, plus strand): 5'-CACCAGAAGACCCCCAGACTGATTCCTCAGTCTCACTTCTTCCCCACTTGGAGGCCAAGA[T>C]CCGTCAGACACACAGCCTTGCGCACCTCCTCACCAAATACGCTGAGCAGCTGCTCCAGGA-3'
Protein context (NP_001321.1, residues 17-37): VSLLPHLEAK[Ile27Thr]RQTHSLAHLL

ClinVar aggregate classification (germline): Uncertain significance (1 of 4 stars; one submission).

Submission:

Labcorp Genetics (formerly Invitae), Labcorp
Classification: Uncertain significance. Last evaluated: 2025-12-28. Review status: criteria provided, single submitter. Criteria: Invitae Variant Classification Sherloc (09022015). Collection method: clinical testing. Allele origin: germline.
Comment: This sequence change replaces isoleucine, which is neutral and non-polar, with threonine, which is neutral and polar, at codon 27 of the CTF1 protein (p.Ile27Thr). This variant is present in population databases (no rsID available, gnomAD 0.006%). This variant has not been reported in the literature in individuals affected with CTF1-related conditions. An algorithm developed to predict the effect of missense changes on protein structure and function (PolyPhen-2) suggests that this variant is likely to be disruptive. In summary, the available evidence is currently insufficient to determine the role of this variant in disease. Therefore, it has been classified as a Variant of Uncertain Significance.